The following is an entry in ClinVar:

NM_017617.5(NOTCH1):c.559G>A (p.Gly187Arg)

Gene: NOTCH1 (notch receptor 1; minus strand). Cytogenetic location: 9q34.3.
Variant type: single nucleotide variant.
Coding change: c.559G>A on transcript NM_017617.5 (MANE Select); coding-DNA position 559, G replaced by A.
Protein change: p.Gly187Arg; replaces glycine 187 with arginine.
Molecular consequence: missense variant.
Genome position (GRCh38, 1-based): chr9:136,523,033, C>T on the plus strand (G>A on the coding strand, the complement: NOTCH1 is on the minus strand). VCF-style: chr9-136523033-C-T. GRCh37 (hg19) VCF-style: chr9-139417485-C-T.
Other names: short protein forms G187R.
Identifiers: ClinVar variation 931048 (VCV000931048.4), dbSNP rs750295442, ClinGen allele CA5342130.

ClinVar aggregate classification (germline): Uncertain significance. Review status: criteria provided, multiple submitters, no conflicts (2 of 4 stars). 2 submissions from 2 submitters: Uncertain significance (2). Last evaluated 2026-03-07.

Conditions:
Aortic valve disease 1 (AOVD1). Identifiers: MedGen C3887892, MONDO:0024523, OMIM 109730.
Familial thoracic aortic aneurysm and aortic dissection (TAAD). Also called: Thoracic aortic aneurysms and dissections. Identifiers: Orphanet 91387, MedGen C4707243, MONDO:0019625.

Allele frequency attached by ClinVar (database versions not stated): gnomAD 0.00001; gnomAD exomes 0.00001; TOPMed 0.00001; ExAC 0.00006.
gnomAD v4.1: 4 of 1,553,378 alleles (0.00026%); highest among the groups gnomAD compares: South Asian, 0.0024%; no homozygotes.

Submissions (2):

Ambry Genetics
Classification: Uncertain significance for Familial thoracic aortic aneurysm and aortic dissection. Last evaluated: 2026-03-07. Review status: criteria provided, single submitter. Criteria: Ambry Variant Classification Scheme 2023. Collection method: clinical testing. Allele origin: germline.
Comment: The p.G187R variant (also known as c.559G>A), located in coding exon 4 of the NOTCH1 gene, results from a G to A substitution at nucleotide position 559. The glycine at codon 187 is replaced by arginine, an amino acid with dissimilar properties. This amino acid position is conserved. In addition, this alteration is predicted to be tolerated by in silico analysis. Based on the available evidence, the clinical significance of this variant remains unclear.

Centre for Mendelian Genomics, University Medical Centre Ljubljana
Classification: Uncertain significance for Aortic valve disease 1. Last evaluated: 2016-01-01. Review status: criteria provided, single submitter. Criteria: ACMG Guidelines, 2015. Collection method: clinical testing. Allele origin: unknown. Affected: yes.
Comment: This variant was classified as: Uncertain significance. The following ACMG criteria were applied in classifying this variant: PP4.